The following is an entry in ClinVar:

NM_001377265.1(MAPT):c.220+2528T>C

Gene: MAPT (microtubule associated protein tau). Cytogenetic location: 17q21.31.
Variant type: single nucleotide variant.
Coding change: c.220+2528T>C on transcript NM_001377265.1 (MANE Select); 2528 bases into the intron after coding-DNA position 220, T replaced by C.
Molecular consequence: intron variant. On other transcripts: splice donor variant (4).
Genome position (GRCh38, 1-based): chr17:45,974,473, T>C. VCF-style: chr17-45974473-T-C. GRCh37 (hg19) VCF-style: chr17-44051839-T-C.
Other names: c.134-3902T>C (NM_001377268.1, NM_016834.5, NM_016841.5); c.307+2T>C (NM_001123066.4, NM_016835.5, NM_005910.6 and 1 more transcripts); c.220+2528T>C (NM_001377266.1, NM_001123067.4, NM_001203251.2 and 1 more transcripts).
Identifiers: ClinVar variation 4849950 (VCV004849950.1).
Genomic context (GRCh38, chr17:45,974,473, plus strand): 5'-AGCTCCCGGCAAGCAGGCTGCCGCGCAGCCCCACACGGAGATCCCAGAAGGAACCACAGG[T>C]GAGGGTAAGCCCCAGAGACCCCCAGGCAGTCAAGGCCCTGCTGGGTGCCCCAGCTGACCT-3'

ClinVar aggregate classification (germline): Uncertain significance (0 of 4 stars; one submission).

Conditions:
Frontotemporal dementia (FTD1). Also called: Frontotemporal Dementia with Parkinsonism-17 (FTDP-17); Frontotemporal lobe dementia (FLDEM); FRONTOTEMPORAL LOBAR DEGENERATION WITH TAU INCLUSIONS; FTLD WITH TAU INCLUSIONS; FRONTOTEMPORAL DEMENTIA WITH PARKINSONISM; FRONTOTEMPORAL LOBE DEMENTIA. Identifiers: Orphanet 282, MedGen C0338451, MONDO:0017276, OMIM 600274, HP:0002145.

gnomAD v4.1: 2 of 1,599,922 alleles (0.00013%); highest among the groups gnomAD compares: Non-Finnish European, 0.000085%; no homozygotes.

Submission:

Medical Genetics Unit, Mauro Baschirotto Institute for Rare Disease
Classification: Uncertain significance for Frontotemporal dementia. Last evaluated: 2026-04-20. Review status: no assertion criteria provided. Collection method: clinical testing. Allele origin: germline. Affected: yes. Observed: 1 variant allele.
Comment: This variant was interpreted by the AD-FTD Italian Consortium, including the following participating institutions: Mauro Baschirotto Institute for Rare Disease, Medical Genetics Unit (Dr Paola de Gemmis, Dr Daniela Segat, Dr Chiara Stefani); Neurology Unit, Department of Biomedicine, Neurosciences and Advanced Diagnostics, University of Palermo, Italy (Dr Tommaso Piccoli); Neurology Unit, Santa Maria della Misericordia Hospital, Perugia, Italy (Dr Lorenzo Gaetani). The participating laboratories jointly contributed to patient recruitment, clinical data collection, and variant interpretation and classification.The variant c.307+2T>C in MAPT gene affects the canonical splice donor dinucleotide at the +2 position of a coding gene-internal intronic boundary. This nucleotide change occurs within a highly conserved region that is part of the consensus splice donor sequence and is annotated as a splice donor and intronic variant impacting intron 4 of MAPT. According to available annotation, the c.307+2T>C variant in MAPT is classified as a splice donor variant and intron variant impacting intron 4 of MAPT, has a reported gnomAD frequency of 0.0001% with 0 homozygous individuals. The proposed classification is variant of uncertain significance.